The following is an entry in ClinVar:

NM_170606.3(KMT2C):c.2702T>C (p.Leu901Pro)

Gene: KMT2C (lysine methyltransferase 2C; minus strand). Cytogenetic location: 7q36.1.
Variant type: single nucleotide variant.
Coding change: c.2702T>C on transcript NM_170606.3 (MANE Select); coding-DNA position 2702, T replaced by C.
Protein change: p.Leu901Pro; replaces leucine 901 with proline.
Molecular consequence: missense variant.
Genome position (GRCh38, 1-based): chr7:152,235,884, A>G on the plus strand (T>C on the coding strand, the complement: KMT2C is on the minus strand). VCF-style: chr7-152235884-A-G. GRCh37 (hg19) VCF-style: chr7-151932969-A-G.
Other names: short protein forms L901P.
Identifiers: ClinVar variation 1651879 (VCV001651879.25), dbSNP rs370313067, ClinGen allele CA4581077.

ClinVar aggregate classification (germline): Benign/Likely benign. Review status: criteria provided, multiple submitters, no conflicts (2 of 4 stars). 3 submissions from 3 submitters: Benign (1); Likely benign (2). Last evaluated 2024-08-01.

Conditions:
Kleefstra syndrome 2 (KLEFS2). Identifiers: MedGen C4540395, MONDO:0054701, OMIM 617768.

Allele frequency attached by ClinVar (database versions not stated): gnomAD exomes 0.00014 and 0.00064; ESP Exome Variant Server 0.00015; gnomAD 0.00036 and 0.00046; ExAC 0.00074; 1000 Genomes Project 0.00280; 1000 Genomes Project 30x 0.00297.
gnomAD v4.1: 329 of 1,611,948 alleles (0.02%); highest among the groups gnomAD compares: East Asian, 0.47%; no homozygotes.

Submissions (3):

CeGaT Center for Human Genetics Tuebingen
Classification: Likely benign. Last evaluated: 2024-08-01. Review status: criteria provided, single submitter. Criteria: CeGaT Center For Human Genetics Tuebingen Variant Classification Criteria Version 2. Collection method: clinical testing. Allele origin: germline. Affected: yes. Observed: 1 variant allele.
Comment: KMT2C: PP2, PP3, BS1

Labcorp Genetics (formerly Invitae), Labcorp
Classification: Benign. Last evaluated: 2022-08-10. Review status: criteria provided, single submitter. Criteria: Invitae Variant Classification Sherloc (09022015). Collection method: clinical testing. Allele origin: germline.

Fulgent Genetics
Classification: Likely benign for Kleefstra syndrome 2. Last evaluated: 2021-11-18. Review status: criteria provided, single submitter. Criteria: ACMG Guidelines, 2015. Collection method: clinical testing. Allele origin: unknown.